The following is an entry in ClinVar:

ClinVar aggregate classification (germline): Uncertain significance (1 of 4 stars; one submission).

Allele frequency attached by ClinVar (database versions not stated): gnomAD exomes below 0.00001; TOPMed below 0.00001; gnomAD 0.00001.
gnomAD v4.1: 2 of 1,558,574 alleles (0.00013%); highest among the groups gnomAD compares: Admixed American, 0.0033%; no homozygotes.

Submission:

GeneDx
Classification: Uncertain significance. Last evaluated: 2022-11-04. Review status: criteria provided, single submitter. Criteria: GeneDx Variant Classification Process June 2021. Collection method: clinical testing. Allele origin: germline. Affected: yes.
Comment: Not observed at significant frequency in large population cohorts (gnomAD); In silico analysis supports a deleterious effect on splicing; Has not been previously published as pathogenic or benign to our knowledge

NM_194454.3(KRIT1):c.1731-5T>C

Gene: KRIT1 (KRIT1 ankyrin repeat containing; minus strand). Cytogenetic location: 7q21.2.
Variant type: single nucleotide variant.
Coding change: c.1731-5T>C on transcript NM_194454.3 (MANE Select); 5 bases into the intron before coding-DNA position 1731, T replaced by C.
Molecular consequence: intron variant.
Genome position (GRCh38, 1-based): chr7:92,213,984, A>G on the plus strand (T>C on the coding strand, the complement: KRIT1 is on the minus strand). VCF-style: chr7-92213984-A-G. GRCh37 (hg19) VCF-style: chr7-91843298-A-G.
Other names: c.1731-5T>C (NM_001350672.1, NM_001350676.1, NM_001350673.1 and 26 more transcripts); c.1587-5T>C (NM_001350669.1, NM_001013406.2, NM_001350670.1); c.1017-5T>C (NM_001350671.1).
Identifiers: ClinVar variation 2502070 (VCV002502070.1), dbSNP rs1934695373, ClinGen allele CA1104446316.